The following is an entry in ClinVar:

NM_001876.4(CPT1A):c.531G>A (p.Pro177=)

Gene: CPT1A (carnitine palmitoyltransferase 1A; minus strand). Cytogenetic location: 11q13.3.
Variant type: single nucleotide variant.
Coding change: c.531G>A on transcript NM_001876.4 (MANE Select); coding-DNA position 531, G replaced by A.
Protein change: p.Pro177=; no amino-acid change (proline 177 retained).
Molecular consequence: synonymous variant.
Genome position (GRCh38, 1-based): chr11:68,804,024, C>T on the plus strand (G>A on the coding strand, the complement: CPT1A is on the minus strand). VCF-style: chr11-68804024-C-T. GRCh37 (hg19) VCF-style: chr11-68571492-C-T.
Other names: c.531G>A, p.Pro177= (NM_001031847.3); c.531G>A (NM_001876.3).
Identifiers: ClinVar variation 2199388 (VCV002199388.5), dbSNP rs747441052, ClinGen allele CA6152633.

ClinVar aggregate classification (germline): Likely benign. Review status: criteria provided, multiple submitters, no conflicts (2 of 4 stars). 2 submissions from 2 submitters: Likely benign (2). Last evaluated 2025-12-22.

Conditions:
Carnitine palmitoyl transferase 1A deficiency. Also called: Carnitine palmitoyltransferase 1A deficiency; CPT I DEFICIENCY; CPT DEFICIENCY, HEPATIC, TYPE I; Carnitine palmitoyltransferase type I deficiency; CPT deficiency, hepatic, type IA. Identifiers: Orphanet 156, MedGen C1829703, MONDO:0009705, OMIM 255120.
CPT1A-related disorder. Also called: CPT1A-related condition.

Allele frequency attached by ClinVar (database versions not stated): TOPMed below 0.00001; ExAC 0.00001; gnomAD 0.00001; gnomAD exomes 0.00001.
gnomAD v4.1: 8 of 1,613,844 alleles (0.0005%); highest among the groups gnomAD compares: Middle Eastern, 0.016%; no homozygotes.

Submissions (2):

Labcorp Genetics (formerly Invitae), Labcorp
Classification: Likely benign for Carnitine palmitoyl transferase 1A deficiency. Last evaluated: 2025-12-22. Review status: criteria provided, single submitter. Criteria: Invitae Variant Classification Sherloc (09022015). Collection method: clinical testing. Allele origin: germline.

PreventionGenetics, part of Exact Sciences
Classification: Likely benign for CPT1A-related condition. Last evaluated: 2025-07-24. Review status: criteria provided, single submitter. Criteria: ACMG Guidelines, 2015. Collection method: clinical testing. Allele origin: germline.
Comment: This variant is classified as likely benign based on ACMG/AMP sequence variant interpretation guidelines (Richards et al. 2015 PMID: 25741868, with internal and published modifications).